The following is an entry in ClinVar:

ClinVar aggregate classification (germline): Likely pathogenic (1 of 4 stars; one submission).

Submission:

Mayo Clinic Laboratories, Mayo Clinic
Classification: Likely pathogenic. Last evaluated: 2025-04-01. Review status: criteria provided, single submitter. Criteria: ACMG Guidelines, 2015. Collection method: clinical testing. Allele origin: germline. Observed: 1 variant allele.
Comment: PP3, PP4_moderate, PM2_supporting, PS1_moderate

Literature cited by the submitters: PubMed 29344583.

NM_001283009.2(RTEL1):c.301G>A (p.Ala101Thr)

Genes: RTEL1 (regulator of telomere elongation helicase 1; plus strand), RTEL1-TNFRSF6B (RTEL1-TNFRSF6B readthrough (NMD candidate); plus strand). Cytogenetic location: 20q13.33.
Variant type: single nucleotide variant.
Coding change: c.301G>A on transcript NM_001283009.2 (MANE Select); coding-DNA position 301, G replaced by A.
Protein change: p.Ala101Thr; replaces alanine 101 with threonine.
Molecular consequence: missense variant. On other transcripts: non-coding transcript variant (1), 5 prime UTR variant (1).
Genome position (GRCh38, 1-based): chr20:63,661,496, G>A. VCF-style: chr20-63661496-G-A. GRCh37 (hg19) VCF-style: chr20-62292849-G-A.
Other names: p.Ala101Thr; c.-369G>A (NM_001283010.1); c.301G>A, p.Ala101Thr (NM_016434.4, NM_032957.5); short protein forms A101T.
Identifiers: ClinVar variation 4542399 (VCV004542399.1).